The following is an entry in ClinVar:

NM_001039591.3(USP9X):c.4204A>G (p.Asn1402Asp)

Gene: USP9X (ubiquitin specific peptidase 9 X-linked; plus strand). Cytogenetic location: Xp11.4.
Variant type: single nucleotide variant.
Coding change: c.4204A>G on transcript NM_001039591.3 (MANE Select); coding-DNA position 4204, A replaced by G.
Protein change: p.Asn1402Asp; replaces asparagine 1402 with aspartic acid.
Molecular consequence: missense variant.
Genome position (GRCh38, 1-based): chrX:41,196,709, A>G. VCF-style: chrX-41196709-A-G. GRCh37 (hg19) VCF-style: chrX-41055962-A-G.
Other names: c.4204A>G (NM_001039590.2); c.4204A>G, p.Asn1402Asp (NM_001039590.3); c.4219A>G, p.Asn1407Asp (NM_001410748.1, NM_001410749.1); short protein forms N1407D, N1402D.
Identifiers: ClinVar variation 3677761 (VCV003677761.3).
Genomic context (GRCh38, chrX:41,196,709, plus strand): 5'-CTTCTTAATTACGCTTACAATAGTAATATTAATGTACCCAATGCTGAAGTTCTTCTCAAT[A>G]ATGAAATTGATTGGCTTAAAAGAATTAGGGTAAGTTTTAGTTAATACTCCATTTATATGT-3'
Protein context (NP_001034680.2, residues 1392-1412): NVPNAEVLLN[Asn1402Asp]EIDWLKRIRD

ClinVar aggregate classification (germline): Uncertain significance. Review status: criteria provided, multiple submitters, no conflicts (2 of 4 stars). 2 submissions from 2 submitters: Uncertain significance (2). Last evaluated 2025-06-22.

Conditions:
Inborn genetic diseases. Identifiers: MedGen C0950123, MeSH D030342.

Submissions (2):

Ambry Genetics
Classification: Uncertain significance for Inborn genetic diseases. Last evaluated: 2025-06-22. Review status: criteria provided, single submitter. Criteria: Ambry Variant Classification Scheme 2023. Collection method: clinical testing. Allele origin: germline.

Labcorp Genetics (formerly Invitae), Labcorp
Classification: Uncertain significance. Last evaluated: 2025-01-24. Review status: criteria provided, single submitter. Criteria: Invitae Variant Classification Sherloc (09022015). Collection method: clinical testing. Allele origin: germline.
Comment: This sequence change replaces asparagine, which is neutral and polar, with aspartic acid, which is acidic and polar, at codon 1402 of the USP9X protein (p.Asn1402Asp). This variant is not present in population databases (gnomAD no frequency). This variant has not been reported in the literature in individuals affected with USP9X-related conditions. An algorithm developed to predict the effect of missense changes on protein structure and function (PolyPhen-2) suggests that this variant is likely to be tolerated. In summary, the available evidence is currently insufficient to determine the role of this variant in disease. Therefore, it has been classified as a Variant of Uncertain Significance.